The following is an entry in ClinVar:

GRCh37/hg19 20q13.2-13.33(chr20:54143747-62194881)

Genes: ADRM1 (ADRM1 26S proteasome ubiquitin receptor; plus strand), ANKRD60 (ankyrin repeat domain 60; minus strand), APCDD1L (APC down-regulated 1 like; minus strand), ARFGAP1 (ADP ribosylation factor GTPase activating protein 1; plus strand), ATP5F1E (ATP synthase F1 subunit epsilon; minus strand) and 83 more. Cytogenetic location: 20q13.2-13.33.
Variant type: copy number gain.
Identifiers: ClinVar variation 625661 (VCV000625661.1).

ClinVar aggregate classification (germline): Pathogenic (1 of 4 stars; one submission).

Submission:

Baylor Genetics
Classification: Pathogenic. Last evaluated: 2018-11-01. Review status: criteria provided, single submitter. Criteria: ACMG CNV Guidelines, 2011. Collection method: clinical testing. Allele origin: germline. Observed: 1 variant allele.